The following is an entry in ClinVar:

ClinVar aggregate classification (germline): Uncertain significance. Review status: criteria provided, multiple submitters, no conflicts (2 of 4 stars). 2 submissions from 2 submitters: Uncertain significance (2). Last evaluated 2025-08-03.

Conditions:
Hereditary cancer-predisposing syndrome. Also called: Neoplastic Syndromes, Hereditary; Tumor predisposition; Hereditary neoplastic syndrome; Hereditary Cancer Syndrome. Identifiers: Orphanet 140162, MedGen C0027672, MeSH D009386, MONDO:0015356.
Familial adenomatous polyposis 1 (FAP1). Also called: POLYPOSIS, ADENOMATOUS INTESTINAL; FAMILIAL ADENOMATOUS POLYPOSIS 1, ATTENUATED. Identifiers: MedGen C2713442, MONDO:0021056, OMIM 175100. Disease mechanism: loss of function.

Allele frequency attached by ClinVar (database versions not stated): gnomAD below 0.00001 and 0.00001; TOPMed 0.00001.
gnomAD v4.1: 1 of 1,613,914 alleles (0.000062%); highest among the groups gnomAD compares: South Asian, 0.0011%; no homozygotes.

Submissions (2):

Labcorp Genetics (formerly Invitae), Labcorp
Classification: Uncertain significance for Familial adenomatous polyposis 1. Last evaluated: 2025-08-03. Review status: criteria provided, single submitter. Criteria: Invitae Variant Classification Sherloc (09022015). Collection method: clinical testing. Allele origin: germline.
Comment: This sequence change replaces proline, which is neutral and non-polar, with threonine, which is neutral and polar, at codon 114 of the APC protein (p.Pro114Thr). This variant is not present in population databases (gnomAD no frequency). This variant has not been reported in the literature in individuals affected with APC-related conditions. ClinVar contains an entry for this variant (Variation ID: 823740). Invitae Evidence Modeling of protein sequence and biophysical properties (such as structural, functional, and spatial information, amino acid conservation, physicochemical variation, residue mobility, and thermodynamic stability) indicates that this missense variant is not expected to disrupt APC protein function with a negative predictive value of 95%. In summary, the available evidence is currently insufficient to determine the role of this variant in disease. Therefore, it has been classified as a Variant of Uncertain Significance.

Ambry Genetics
Classification: Uncertain significance for Hereditary cancer-predisposing syndrome. Last evaluated: 2019-03-05. Review status: criteria provided, single submitter. Criteria: Ambry Variant Classification Scheme 2023. Collection method: clinical testing. Allele origin: germline.
Comment: The p.P114T variant (also known as c.340C>A), located in coding exon 3 of the APC gene, results from a C to A substitution at nucleotide position 340. The proline at codon 114 is replaced by threonine, an amino acid with highly similar properties. This amino acid position is highly conserved in available vertebrate species. In addition, in silico predictors for this gene do not accurately predict pathogenicity. Since supporting evidence is limited at this time, the clinical significance of this alteration remains unclear.

NM_000038.6(APC):c.340C>A (p.Pro114Thr)

Gene: APC (APC regulator of Wnt signaling pathway; plus strand). Cytogenetic location: 5q22.2.
Variant type: single nucleotide variant.
Coding change: c.340C>A on transcript NM_000038.6 (MANE Select); coding-DNA position 340, C replaced by A.
Protein change: p.Pro114Thr; replaces proline 114 with threonine.
Molecular consequence: missense variant. On other transcripts: 5 prime UTR variant (1).
Genome position (GRCh38, 1-based): chr5:112,767,308, C>A. VCF-style: chr5-112767308-C-A. GRCh37 (hg19) VCF-style: chr5-112103005-C-A.
Other names: c.340C>A, p.Pro114Thr (NM_001127510.3, NM_001354895.2, NM_001354896.2 and 2 more transcripts); c.370C>A, p.Pro124Thr (NM_001127511.3, NM_001354897.2, NM_001354902.2); c.265C>A, p.Pro89Thr (NM_001354898.2, NM_001354904.2); c.163C>A, p.Pro55Thr (NM_001354900.2, NM_001354901.2, NM_001354905.2); c.-696C>A (NM_001354906.2); short protein forms P55T, P89T, P124T, P114T.
Identifiers: ClinVar variation 823740 (VCV000823740.11), dbSNP rs1580329044, ClinGen allele CA16022062.